The following is an entry in ClinVar:

NM_001323289.2(CDKL5):c.214_216del (p.Ile72del)

Gene: CDKL5 (cyclin dependent kinase like 5; plus strand). Cytogenetic location: Xp22.13.
Variant type: Deletion.
Coding change: c.214_216del on transcript NM_001323289.2 (MANE Select); coding-DNA positions 214 to 216, 3 bases deleted (ATT; older notation c.214_216delATT).
Protein change: p.Ile72del; deletes isoleucine 72.
Molecular consequence: inframe deletion.
Genome position (GRCh38, 1-based): chrX:18,575,422-18,575,424, ATT deleted. VCF-style (leftmost placement, unchanged base first): chrX-18575421-CATT-C. GRCh37 (hg19) VCF-style: chrX-18593541-CATT-C.
Other names: NM_001323289.2(CDKL5):c.214_216del; p.Ile72del; c.214_216del, p.Ile72del (NM_001037343.2, NM_003159.3); short protein forms I72del.
Identifiers: ClinVar variation 189545 (VCV000189545.3), dbSNP rs786204960, ClinGen allele CA235604.

ClinVar aggregate classification (germline): Uncertain significance. Review status: criteria provided, single submitter (1 of 4 stars). 2 submissions from 2 submitters: Uncertain significance (1). 1 of the submissions does not count toward it. Last evaluated 2024-07-23.

Conditions:
CDKL5 disorder. Identifiers: MedGen CN296942, MONDO:0100039.

Submissions (2):

Centre for Population Genomics, CPG
Classification: Uncertain significance for CDKL5 disorder. Last evaluated: 2024-07-23. Review status: criteria provided, single submitter. Criteria: McKnight et al. (Hum Mutat. 2022). Collection method: curation. Allele origin: germline. Inheritance: X-linked inheritance.
Comment: This variant has been collected from RettBASE and curated to current modified ACMG/AMP criteria. Based on the classification scheme defined by the ClinGen Rett/Angelman-like Expert Panel for Rett/AS-like Disorders Specifications to the ACMG/AMP Variant Interpretation Guidelines VCEP 3.0, this variant is classified as a variant of uncertain significance. At least the following criteria are met: This variant is absent from gnomAD v4 (PM2_Supporting). Protein length changes of < 3 amino acid residues due to in-frame deletions/insertions in a non-repeat region (PM4_Supporting).

RettBASE
Classification: Likely pathogenic. Last evaluated: 2014-03-13. Review status: no assertion criteria provided. Collection method: curation. Allele origin: unknown. Observed: 1 variant allele. Not counted in ClinVar's aggregate classification.
Comment: Conserved amino acid in the kinase domain

Literature cited by the submitters: PubMed 23064044 (cited by RettBASE).